The following is an entry in ClinVar:

ClinVar aggregate classification (germline): Uncertain significance. Review status: criteria provided, multiple submitters, no conflicts (2 of 4 stars). 4 submissions from 4 submitters: Uncertain significance (3). 1 of the submissions does not count toward it. Last evaluated 2025-05-19.

Conditions:
ATP8B1-related disorder. Also called: ATP8B1-related condition; ATP8B1-related disorders.
Inborn genetic diseases. Identifiers: MedGen C0950123, MeSH D030342.

Allele frequency attached by ClinVar (database versions not stated): gnomAD exomes 0.00002 and 0.00004; ExAC 0.00006; gnomAD 0.00007; TOPMed 0.00012.
gnomAD v4.1: 37 of 1,613,834 alleles (0.0023%); highest among the groups gnomAD compares: African/African-American, 0.033%; no homozygotes.

Submissions (4):

Ambry Genetics
Classification: Uncertain significance for Inborn genetic diseases. Last evaluated: 2025-05-19. Review status: criteria provided, single submitter. Criteria: Ambry Variant Classification Scheme 2023. Collection method: clinical testing. Allele origin: germline.

Labcorp Genetics (formerly Invitae), Labcorp
Classification: Uncertain significance. Last evaluated: 2022-07-04. Review status: criteria provided, single submitter. Criteria: Invitae Variant Classification Sherloc (09022015). Collection method: clinical testing. Allele origin: germline.
Comment: This sequence change replaces valine, which is neutral and non-polar, with isoleucine, which is neutral and non-polar, at codon 1160 of the ATP8B1 protein (p.Val1160Ile). This variant is present in population databases (rs745482154, gnomAD 0.02%). This variant has not been reported in the literature in individuals affected with ATP8B1-related conditions. ClinVar contains an entry for this variant (Variation ID: 593561). Algorithms developed to predict the effect of missense changes on protein structure and function output the following: SIFT: "Tolerated"; PolyPhen-2: "Benign"; Align-GVGD: "Class C0". The isoleucine amino acid residue is found in multiple mammalian species, which suggests that this missense change does not adversely affect protein function. In summary, the available evidence is currently insufficient to determine the role of this variant in disease. Therefore, it has been classified as a Variant of Uncertain Significance.

Eurofins Ntd Llc (ga)
Classification: Uncertain significance. Last evaluated: 2017-08-08. Review status: criteria provided, single submitter. Criteria: EGL Classification Definitions 2015. Collection method: clinical testing. Allele origin: germline. Observed: 2 variant alleles, 2 heterozygotes.

PreventionGenetics, part of Exact Sciences
Classification: Uncertain significance for ATP8B1-related condition. Last evaluated: 2024-03-07. Review status: no assertion criteria provided. Collection method: clinical testing. Allele origin: germline. Not counted in ClinVar's aggregate classification.
Comment: The ATP8B1 c.3478G>A variant is predicted to result in the amino acid substitution p.Val1160Ile. To our knowledge, this variant has not been reported in the literature. This variant is reported in 0.024% of alleles in individuals of African descent in gnomAD. At this time, the clinical significance of this variant is uncertain due to the absence of conclusive functional and genetic evidence.

NM_001374385.1(ATP8B1):c.3478G>A (p.Val1160Ile)

Genes: ATP8B1 (ATPase phospholipid transporting 8B1; minus strand), ATP8B1-AS1 (ATP8B1 antisense RNA 1; plus strand). Cytogenetic location: 18q21.31.
Variant type: single nucleotide variant.
Coding change: c.3478G>A on transcript NM_001374385.1 (MANE Select); coding-DNA position 3478, G replaced by A.
Protein change: p.Val1160Ile; replaces valine 1160 with isoleucine.
Molecular consequence: missense variant.
Genome position (GRCh38, 1-based): chr18:57,650,420, C>T on the plus strand (G>A on the coding strand, the complement: ATP8B1 is on the minus strand). VCF-style: chr18-57650420-C-T. GRCh37 (hg19) VCF-style: chr18-55317652-C-T.
Other names: c.3328G>A, p.Val1110Ile (NM_001374386.1); c.3478G>A, p.Val1160Ile (NM_005603.6); c.3478G>A (NM_005603.4); short protein forms V1160I, V1110I.
Identifiers: ClinVar variation 593561 (VCV000593561.10), dbSNP rs745482154, ClinGen allele CA8974002.